The following is an entry in ClinVar:

ClinVar aggregate classification (germline): Uncertain significance (1 of 4 stars; one submission).

gnomAD v4.1: 2 of 1,613,984 alleles (0.00012%); highest among the groups gnomAD compares: Non-Finnish European, 0.00017%; no homozygotes.

Submission:

GeneDx
Classification: Uncertain significance. Last evaluated: 2024-11-20. Review status: criteria provided, single submitter. Criteria: GeneDx Variant Classification Process June 2021. Collection method: clinical testing. Allele origin: germline. Affected: yes.
Comment: Not observed at significant frequency in large population cohorts (gnomAD); In silico analysis supports that this missense variant has a deleterious effect on protein structure/function; Has not been previously published as pathogenic or benign to our knowledge

NM_052989.3(IFT122):c.2606C>T (p.Ala869Val)

Gene: IFT122 (intraflagellar transport 122; plus strand). Cytogenetic location: 3q22.1.
Variant type: single nucleotide variant.
Coding change: c.2606C>T on transcript NM_052989.3 (MANE Select); coding-DNA position 2606, C replaced by T.
Protein change: p.Ala869Val; replaces alanine 869 with valine.
Molecular consequence: missense variant.
Genome position (GRCh38, 1-based): chr3:129,504,377, C>T. VCF-style: chr3-129504377-C-T. GRCh37 (hg19) VCF-style: chr3-129223220-C-T.
Other names: c.2582C>T, p.Ala861Val (NM_001280541.2); c.2156C>T, p.Ala719Val (NM_001280545.2); c.1979C>T, p.Ala660Val (NM_001280546.2); c.2606C>T, p.Ala869Val (NM_001410808.1); c.2552C>T, p.Ala851Val (NM_001410809.1); c.2429C>T, p.Ala810Val (NM_001410810.1, NM_018262.4); c.2375C>T, p.Ala792Val (NM_001410811.1, NM_001410813.1); c.2273C>T, p.Ala758Val (NM_001410815.1, NM_052990.3); and 2 more; short protein forms A660V, A719V, A740V, A758V, A792V, A810V, A851V, A861V.
Identifiers: ClinVar variation 3900569 (VCV003900569.1).